The following is an entry in ClinVar:

NM_006514.4(SCN10A):c.857C>A (p.Thr286Lys)

Gene: SCN10A (sodium voltage-gated channel alpha subunit 10; minus strand). Cytogenetic location: 3p22.2.
Variant type: single nucleotide variant.
Coding change: c.857C>A on transcript NM_006514.4 (MANE Select); coding-DNA position 857, C replaced by A.
Protein change: p.Thr286Lys; replaces threonine 286 with lysine.
Molecular consequence: missense variant.
Genome position (GRCh38, 1-based): chr3:38,761,218, G>T on the plus strand (C>A on the coding strand, the complement: SCN10A is on the minus strand). VCF-style: chr3-38761218-G-T. GRCh37 (hg19) VCF-style: chr3-38802709-G-T.
Other names: c.857C>A, p.Thr286Lys (NM_001293306.2, NM_001293307.2); short protein forms T286K.
Identifiers: ClinVar variation 958956 (VCV000958956.1), dbSNP rs147150438, ClinGen allele CA352171515.
Genomic context (GRCh38, chr3:38,761,218, plus strand): 5'-AGACCTTGGTCCCTATGGAAGAGACTCCACTCACGTTTTCTGTGAGATGAGTAGTTGGTT[G>T]TCTCATTGACAGCCATGTCATTCTTGACACATTTATTTTTGAGGTTGCCCTTGAAGAGTT-3'
Protein context (NP_006505.4, residues 276-296): CVKNDMAVNE[Thr286Lys]TNYSSHRKPD

ClinVar aggregate classification (germline): Uncertain significance (1 of 4 stars; one submission).

Conditions:
Brugada syndrome. Also called: Sudden unexpected nocturnal death syndrome; Sudden Unexplained Death Syndrome; Sudden Unexplained Nocturnal Death Syndrome (SUNDS); Sudden unexplained nocturnal death syndrome. Identifiers: Orphanet 130, MedGen C1142166, MONDO:0015263.

gnomAD v4.1: 3 of 1,607,764 alleles (0.00019%); highest among the groups gnomAD compares: Non-Finnish European, 0.00026%; no homozygotes.

Submission:

Labcorp Genetics (formerly Invitae), Labcorp
Classification: Uncertain significance for Brugada syndrome. Last evaluated: 2019-08-02. Review status: criteria provided, single submitter. Criteria: Invitae Variant Classification Sherloc (09022015). Collection method: clinical testing. Allele origin: germline.
Comment: This sequence change replaces threonine with lysine at codon 286 of the SCN10A protein (p.Thr286Lys). The threonine residue is weakly conserved and there is a moderate physicochemical difference between threonine and lysine. This variant is not present in population databases (ExAC no frequency). This variant has not been reported in the literature in individuals with SCN10A-related conditions. Algorithms developed to predict the effect of missense changes on protein structure and function (SIFT, PolyPhen-2, Align-GVGD) all suggest that this variant is likely to be tolerated, but these predictions have not been confirmed by published functional studies and their clinical significance is uncertain. In summary, the available evidence is currently insufficient to determine the role of this variant in disease. Therefore, it has been classified as a Variant of Uncertain Significance.